The following is an entry in ClinVar:

ClinVar aggregate classification (germline): Uncertain significance (1 of 4 stars; one submission).

Conditions:
Hereditary breast ovarian cancer syndrome. Also called: Hereditary breast and ovarian cancer syndrome; Hereditary breast and ovarian cancer syndrome (HBOC); BRCA1- and BRCA2-Associated Hereditary Breast and Ovarian Cancer; Hereditary breast and ovarian cancer; Breast and ovarian cancer; Hereditary breast and/or ovarian cancer syndrome. Identifiers: Orphanet 145, MedGen C0677776, MeSH D061325, MONDO:0003582. Disease mechanism: loss of function.

Submission:

Labcorp Genetics (formerly Invitae), Labcorp
Classification: Uncertain significance for Hereditary breast ovarian cancer syndrome. Last evaluated: 2024-07-29. Review status: criteria provided, single submitter. Criteria: Invitae Variant Classification Sherloc (09022015). Collection method: clinical testing. Allele origin: germline.
Comment: This sequence change replaces alanine, which is neutral and non-polar, with glycine, which is neutral and non-polar, at codon 579 of the BRCA1 protein (p.Ala579Gly). This variant is not present in population databases (gnomAD no frequency). This variant has not been reported in the literature in individuals affected with BRCA1-related conditions. Advanced modeling of protein sequence and biophysical properties (such as structural, functional, and spatial information, amino acid conservation, physicochemical variation, residue mobility, and thermodynamic stability) performed at Invitae indicates that this missense variant is not expected to disrupt BRCA1 protein function with a negative predictive value of 95%. In summary, the available evidence is currently insufficient to determine the role of this variant in disease. Therefore, it has been classified as a Variant of Uncertain Significance.

NM_007294.4(BRCA1):c.1736C>G (p.Ala579Gly)

Gene: BRCA1 (BRCA1 DNA repair associated; minus strand). Cytogenetic location: 17q21.31.
Variant type: single nucleotide variant.
Coding change: c.1736C>G on transcript NM_007294.4 (MANE Select); coding-DNA position 1736, C replaced by G.
Protein change: p.Ala579Gly; replaces alanine 579 with glycine.
Molecular consequence: missense variant. On other transcripts: intron variant (137).
Genome position (GRCh38, 1-based): chr17:43,093,795, G>C on the plus strand (C>G on the coding strand, the complement: BRCA1 is on the minus strand). VCF-style: chr17-43093795-G-C. GRCh37 (hg19) VCF-style: chr17-41245812-G-C.
Other names: c.523+949C>G (NM_001408498.1, NM_001408501.1, NM_001408500.1 and 3 more transcripts); c.646+949C>G (NM_001408467.1, NM_001408459.1, NM_001408458.1 and 11 more transcripts); c.583+949C>G (NM_001408475.1); c.709+949C>G (NM_001408412.1, NM_001408409.1, NM_001408414.1 and 2 more transcripts); c.451+949C>G (NM_001408509.1, NM_001408508.1); c.574+949C>G (NM_001408491.1, NM_001408493.1, NM_001408490.1); c.577+949C>G (NM_001408481.1, NM_001408480.1, NM_001408492.1 and 9 more transcripts); c.460+2051C>G (NM_001408506.1, NM_001408507.1); and 40 more; short protein forms A509G, A552G, A553G, A579G, A467G, A490G, A511G, A532G.
Identifiers: ClinVar variation 3634685 (VCV003634685.2).